The following is an entry in ClinVar:

ClinVar aggregate classification (germline): Pathogenic. Review status: criteria provided, multiple submitters, no conflicts (2 of 4 stars). 2 submissions from 2 submitters: Pathogenic (2). Last evaluated 2022-10-18.

Conditions:
Familial thoracic aortic aneurysm and aortic dissection (TAAD). Also called: Thoracic aortic aneurysms and dissections. Identifiers: Orphanet 91387, MedGen C4707243, MONDO:0019625.
Marfan syndrome (MFS). Also called: Marfan syndrome type 1; Marfan's syndrome; Marfan syndrome, classic; MARFAN SYNDROME, TYPE I; FBN1-Related Marfan Syndrome. Identifiers: Orphanet 284963, Orphanet 558, MedGen C0024796, MONDO:0007947, OMIM 154700.
Cardiovascular phenotype. Identifiers: MedGen CN230736.

Submissions (2):

Molecular Diagnostic Laboratory for Inherited Cardiovascular Disease, Montreal Heart Institute
Classification: Pathogenic for Cardiovascular phenotype. Last evaluated: 2022-10-18. Review status: criteria provided, single submitter. Criteria: ACMG Guidelines, 2015. Collection method: clinical testing. Allele origin: germline. Affected: yes.

Labcorp Genetics (formerly Invitae), Labcorp
Classification: Pathogenic for Marfan syndrome; Familial thoracic aortic aneurysm and aortic dissection. Last evaluated: 2020-02-18. Review status: criteria provided, single submitter. Criteria: Invitae Variant Classification Sherloc (09022015). Collection method: clinical testing. Allele origin: germline.
Comment: For these reasons, this variant has been classified as Pathogenic. Loss-of-function variants in FBN1 are known to be pathogenic (PMID: 17657824, 19293843). This variant has been observed in individual(s) with clinical features of Marfan syndrome (PMID: 25101912, 21542060). This variant is not present in population databases (ExAC no frequency). This sequence change creates a premature translational stop signal (p.Asp2257Tyrfs*2) in the FBN1 gene. It is expected to result in an absent or disrupted protein product.

Literature cited by the submitters: PubMed 17657824 (cited by Labcorp Genetics (formerly Invitae), Labcorp); PubMed 19293843 (cited by Labcorp Genetics (formerly Invitae), Labcorp); PubMed 25101912 (cited by Labcorp Genetics (formerly Invitae), Labcorp); PubMed 21542060 (cited by Labcorp Genetics (formerly Invitae), Labcorp).

NM_000138.5(FBN1):c.6769_6773del (p.Asp2257fs)

Gene: FBN1 (fibrillin 1; minus strand). Cytogenetic location: 15q21.1.
Variant type: Deletion.
Coding change: c.6769_6773del on transcript NM_000138.5 (MANE Select); coding-DNA positions 6769 to 6773, 5 bases deleted (GACTG; older notation c.6769_6773delGACTG).
Protein change: p.Asp2257fs; shifts the reading frame from aspartic acid 2257.
Molecular consequence: frameshift variant.
Genome position (GRCh38, 1-based): chr15:48,430,769-48,430,773, CAGTC deleted on the plus strand (GACTG on the coding strand, the reverse complement: FBN1 is on the minus strand). VCF-style (leftmost placement, unchanged base first): chr15-48430768-ACAGTC-A. GRCh37 (hg19) VCF-style: chr15-48722965-ACAGTC-A.
Other names: c.6769_6773del (NM_000138.4); short protein forms D2257fs.
Identifiers: ClinVar variation 1069383 (VCV001069383.10), dbSNP rs2141232639, ClinGen allele CA2499222971.